The following is an entry in ClinVar:

ClinVar aggregate classification (germline): Uncertain significance (1 of 4 stars; one submission).

Conditions:
F12-related disorder. Also called: F12-related condition; F12-related disorders. Identifiers: MedGen CN239389.

Submission:

PreventionGenetics, part of Exact Sciences
Classification: Uncertain significance for F12-related condition. Last evaluated: 2025-08-19. Review status: criteria provided, single submitter. Criteria: ACMG Guidelines, 2015. Collection method: clinical testing. Allele origin: germline.
Comment: The F12 c.1699C>A variant is predicted to result in the amino acid substitution p.Leu567Met. To our knowledge, this variant has not been reported in the literature. This variant is reported in 0.0019% of alleles in individuals of European (Non-Finnish) descent in gnomAD. At this time, the clinical significance of this variant is uncertain due to the absence of conclusive functional and genetic evidence.

NM_000505.4(F12):c.1699C>A (p.Leu567Met)

Gene: F12 (coagulation factor XII; minus strand). Cytogenetic location: 5q35.3.
Variant type: single nucleotide variant.
Coding change: c.1699C>A on transcript NM_000505.4 (MANE Select); coding-DNA position 1699, C replaced by A.
Protein change: p.Leu567Met; replaces leucine 567 with methionine.
Molecular consequence: missense variant.
Genome position (GRCh38, 1-based): chr5:177,402,441, G>T on the plus strand (C>A on the coding strand, the complement: F12 is on the minus strand). VCF-style: chr5-177402441-G-T. GRCh37 (hg19) VCF-style: chr5-176829442-G-T.
Other names: short protein forms L567M.
Identifiers: ClinVar variation 4980654 (VCV004980654.1).